The following is an entry in ClinVar:

NM_001042424.3(NSD2):c.708G>A (p.Trp236Ter)

Gene: NSD2 (nuclear receptor binding SET domain protein 2; plus strand). Cytogenetic location: 4p16.3.
Variant type: single nucleotide variant.
Coding change: c.708G>A on transcript NM_001042424.3 (MANE Select); coding-DNA position 708, G replaced by A.
Protein change: p.Trp236Ter; replaces tryptophan 236 with a stop codon.
Molecular consequence: nonsense.
Genome position (GRCh38, 1-based): chr4:1,904,326, G>A. VCF-style: chr4-1904326-G-A. GRCh37 (hg19) VCF-style: chr4-1906053-G-A.
Other names: c.708G>A, p.Trp236Ter (NM_133334.3, NM_133335.4, NM_007331.2 and 2 more transcripts); short protein forms W236*.
Identifiers: ClinVar variation 599448 (VCV000599448.6), dbSNP rs1560602800, ClinGen allele CA355996921.

ClinVar aggregate classification (germline): Pathogenic. Review status: criteria provided, single submitter (1 of 4 stars). 2 submissions from 1 submitter: Pathogenic (2). Last evaluated 2018-10-30.

Conditions:
4p partial monosomy syndrome (WHS). Also called: WITTWER SYNDROME; PITT SYNDROME; Wolf-Hirschhorn syndrome; CHROMOSOME 4p16.3 DELETION SYNDROME. Identifiers: Orphanet 280, MedGen C1956097, MONDO:0008684, OMIM 194190.
Wolf-Hirschhorn like syndrome.

Submissions (2):

Institute for Genomic Medicine (IGM) Clinical Laboratory, Nationwide Children's Hospital
Classification: Pathogenic for Wolf-Hirschhorn like syndrome. Last evaluated: 2018-10-30. Review status: criteria provided, single submitter. Criteria: ACMG Guidelines, 2015. Collection method: clinical testing. Allele origin: germline. Affected: yes.
Comment: PVS1, PS2, PM2; This variant introduces a nonsense change in the coding sequence of the NSD2 gene (previously known as WHSC1)(OMIM: 602952), which leads to premature termination codon in a gene where loss of function is a known mechanism of disease [ACMG: PVS1](PMIDs: 29892088, 29760529, 11252005, 30345613). Sanger sequencing confirmed this to be a de novo alteration, as it was not detected in the submitted parental specimens (identity confirmed)[ACMG: PS2]. This previously undescribed alteration is absent from the Genome Aggregation Database (gnomAD; r2.0.2)[ACMG: PM2]. No evidence was found to support any of the ACMG Benign criteria; therefore, this alteration meets ACMG guidelines for classification as a pathogenic variant.

Institute for Genomic Medicine (IGM) Clinical Laboratory, Nationwide Children's Hospital
Classification: Pathogenic for Wolf-Hirschhorn syndrome. Last evaluated: 2018-08-27. Review status: criteria provided, single submitter. Criteria: ACMG Guidelines, 2015. Collection method: clinical testing. Allele origin: germline. Affected: yes.
Comment: [ACMG/AMP: PVS1, PS2, PM2, PP3] This alteration is a null variant in a gene where LOF is a known mechanism of disease [PVS1], is de novo in origin as it was not detected in the submitted parental specimens (identity confirmed) [PS2], is absent from or rarely observed in large-scale population databases [PM2], is predicted to be damaging by multiple functional prediction tools [PP3].

Literature cited by the submitters: PubMed 29892088; PubMed 29760529; PubMed 11252005; PubMed 30345613.